The following is an entry in ClinVar:

ClinVar aggregate classification (germline): Benign/Likely benign. Review status: criteria provided, multiple submitters, no conflicts (2 of 4 stars). 3 submissions from 3 submitters: Benign (1); Likely benign (2). Last evaluated 2025-02-27.

Conditions:
Multiple endocrine neoplasia, type 2 (MEN2). Identifiers: Orphanet 653, MedGen C4048306, MONDO:0019003. Disease mechanism: gain of function.
Hereditary cancer-predisposing syndrome. Also called: Neoplastic Syndromes, Hereditary; Hereditary neoplastic syndrome; Tumor predisposition; Hereditary Cancer Syndrome. Identifiers: Orphanet 140162, MedGen C0027672, MeSH D009386, MONDO:0015356.
Multiple endocrine neoplasia type 2A. Also called: Multiple Endocrine Neoplasia Type 2A (MEN2A); MULTIPLE ENDOCRINE NEOPLASIA, TYPE IIA; PTC SYNDROME; SIPPLE SYNDROME; MEN 2A; MEN-2A syndrome. Identifiers: Orphanet 247698, Orphanet 653, MedGen C0025268, MeSH D018813, MONDO:0008234, OMIM 171400.

Submissions (3):

Myriad Genetics, Inc.
Classification: Benign for Multiple endocrine neoplasia type 2A. Last evaluated: 2025-02-27. Review status: criteria provided, single submitter. Criteria: Myriad Autosomal Dominant, Autosomal Recessive and X-Linked Classification Criteria (2023). Collection method: clinical testing. Allele origin: unknown.
Comment: This variant is considered benign. This variant is a silent/synonymous amino acid change and it is not expected to impact splicing.

Ambry Genetics
Classification: Likely benign for Hereditary cancer-predisposing syndrome. Last evaluated: 2023-02-04. Review status: criteria provided, single submitter. Criteria: Ambry Variant Classification Scheme 2023. Collection method: clinical testing. Allele origin: germline.

Labcorp Genetics (formerly Invitae), Labcorp
Classification: Likely benign for Multiple endocrine neoplasia, type 2. Last evaluated: 2022-12-18. Review status: criteria provided, single submitter. Criteria: Invitae Variant Classification Sherloc (09022015). Collection method: clinical testing. Allele origin: germline.

NM_020975.6(RET):c.2781C>T (p.Ile927=)

Gene: RET (ret proto-oncogene; plus strand). Cytogenetic location: 10q11.21.
Variant type: single nucleotide variant.
Coding change: c.2781C>T on transcript NM_020975.6 (MANE Select); coding-DNA position 2781, C replaced by T.
Protein change: p.Ile927=; no amino-acid change (isoleucine 927 retained).
Molecular consequence: synonymous variant.
Genome position (GRCh38, 1-based): chr10:43,121,996, C>T. VCF-style: chr10-43121996-C-T. GRCh37 (hg19) VCF-style: chr10-43617444-C-T.
Other names: c.2781C>T, p.Ile927= (NM_000323.2, NM_001406743.1, NM_001406744.1 and 4 more transcripts); c.2019C>T, p.Ile673= (NM_001355216.2); c.2652C>T, p.Ile884= (NM_001406761.1, NM_001406762.1, NM_001406764.1); c.2646C>T, p.Ile882= (NM_001406763.1, NM_001406765.1); c.2493C>T, p.Ile831= (NM_001406766.1, NM_001406767.1, NM_001406770.1); c.2517C>T, p.Ile839= (NM_001406768.1); c.2385C>T, p.Ile795= (NM_001406769.1, NM_001406772.1); c.2343C>T, p.Ile781= (NM_001406771.1, NM_001406773.1); and 10 more.
Identifiers: ClinVar variation 2454145 (VCV002454145.6), dbSNP rs1838228721, ClinGen allele CA469029719.